The following is an entry in ClinVar:

ClinVar aggregate classification (germline): Uncertain significance (1 of 4 stars; one submission).

Submission:

GeneDx
Classification: Uncertain significance. Last evaluated: 2023-10-18. Review status: criteria provided, single submitter. Criteria: GeneDx Variant Classification Process June 2021. Collection method: clinical testing. Allele origin: germline. Affected: yes.
Comment: In silico analysis supports that this missense variant does not alter protein structure/function; Has not been previously published as pathogenic or benign to our knowledge.

NM_006662.3(SRCAP):c.6190A>G (p.Ile2064Val)

Gene: SRCAP (Snf2 related CREBBP activator protein; plus strand). Cytogenetic location: 16p11.2.
Variant type: single nucleotide variant.
Coding change: c.6190A>G on transcript NM_006662.3 (MANE Select); coding-DNA position 6190, A replaced by G.
Protein change: p.Ile2064Val; replaces isoleucine 2064 with valine.
Molecular consequence: missense variant.
Genome position (GRCh38, 1-based): chr16:30,733,342, A>G. VCF-style: chr16-30733342-A-G. GRCh37 (hg19) VCF-style: chr16-30744663-A-G.
Other names: short protein forms I2064V.
Identifiers: ClinVar variation 3366238 (VCV003366238.1).